The following is an entry in ClinVar:

NM_000038.6(APC):c.3325G>T (p.Gly1109Cys)

Gene: APC (APC regulator of Wnt signaling pathway; plus strand). Cytogenetic location: 5q22.2.
Variant type: single nucleotide variant.
Coding change: c.3325G>T on transcript NM_000038.6 (MANE Select); coding-DNA position 3325, G replaced by T.
Protein change: p.Gly1109Cys; replaces glycine 1109 with cysteine.
Molecular consequence: missense variant.
Genome position (GRCh38, 1-based): chr5:112,838,919, G>T. VCF-style: chr5-112838919-G-T. GRCh37 (hg19) VCF-style: chr5-112174616-G-T.
Other names: c.3325G>T, p.Gly1109Cys (NM_001127510.3, NM_001354895.2); c.3271G>T, p.Gly1091Cys (NM_001127511.3); c.3379G>T, p.Gly1127Cys (NM_001354896.2); c.3355G>T, p.Gly1119Cys (NM_001354897.2); c.3250G>T, p.Gly1084Cys (NM_001354898.2); c.3241G>T, p.Gly1081Cys (NM_001354899.2); c.3202G>T, p.Gly1068Cys (NM_001354900.2); c.3148G>T, p.Gly1050Cys (NM_001354901.2); and 5 more; short protein forms G1091C, G1109C, G1068C, G1018C, G1081C, G1127C, G1008C, G1050C.
Identifiers: ClinVar variation 133528 (VCV000133528.17), dbSNP rs587778040, ClinGen allele CA008272.

ClinVar aggregate classification (germline): Uncertain significance. Review status: criteria provided, multiple submitters, no conflicts (2 of 4 stars). 7 submissions from 7 submitters: Uncertain significance (6). 1 of the submissions does not count toward it. Last evaluated 2026-01-15.

Conditions:
APC-related disorder. Also called: APC-related condition.
Hereditary cancer-predisposing syndrome. Also called: Neoplastic Syndromes, Hereditary; Tumor predisposition; Hereditary Cancer Syndrome; Hereditary neoplastic syndrome. Identifiers: Orphanet 140162, MedGen C0027672, MeSH D009386, MONDO:0015356.
Familial adenomatous polyposis 1 (FAP1). Also called: FAMILIAL ADENOMATOUS POLYPOSIS 1, ATTENUATED; POLYPOSIS, ADENOMATOUS INTESTINAL. Identifiers: MedGen C2713442, MONDO:0021056, OMIM 175100. Disease mechanism: loss of function.

gnomAD v4.1: 5 of 1,614,092 alleles (0.00031%); highest among the groups gnomAD compares: Non-Finnish European, 0.00042%; no homozygotes.

Submissions (7):

Praxis Für Humangenetik, Biosciencia MVZ Labor Saar
Classification: Uncertain significance for Hereditary cancer-predisposing syndrome. Last evaluated: 2026-01-15. Review status: criteria provided, single submitter. Criteria: ACMG Guidelines, 2015. Collection method: clinical testing. Allele origin: germline. Affected: yes.
Comment: PM2

Labcorp Genetics (formerly Invitae), Labcorp
Classification: Uncertain significance for Familial adenomatous polyposis 1. Last evaluated: 2025-07-31. Review status: criteria provided, single submitter. Criteria: Invitae Variant Classification Sherloc (09022015). Collection method: clinical testing. Allele origin: germline.
Comment: This sequence change replaces glycine, which is neutral and non-polar, with cysteine, which is neutral and slightly polar, at codon 1109 of the APC protein (p.Gly1109Cys). This variant is not present in population databases (gnomAD no frequency). This variant has not been reported in the literature in individuals affected with APC-related conditions. ClinVar contains an entry for this variant (Variation ID: 133528). Invitae Evidence Modeling of protein sequence and biophysical properties (such as structural, functional, and spatial information, amino acid conservation, physicochemical variation, residue mobility, and thermodynamic stability) indicates that this missense variant is not expected to disrupt APC protein function with a negative predictive value of 95%. In summary, the available evidence is currently insufficient to determine the role of this variant in disease. Therefore, it has been classified as a Variant of Uncertain Significance.

Molecular Pathology, Peter Maccallum Cancer Centre
Classification: Uncertain significance for Familial adenomatous polyposis 1. Last evaluated: 2025-04-03. Review status: criteria provided, single submitter. Criteria: ACMG Guidelines, 2015. Collection method: clinical testing. Allele origin: germline. Inheritance: Autosomal dominant inheritance.

PreventionGenetics, part of Exact Sciences
Classification: Uncertain significance for APC-related condition. Last evaluated: 2025-03-25. Review status: criteria provided, single submitter. Criteria: ACMG Guidelines, 2015. Collection method: clinical testing. Allele origin: germline.
Comment: The APC c.3325G>T variant is predicted to result in the amino acid substitution p.Gly1109Cys. This variant has been reported in a cohort of healthy individuals (Bodian et al. 2014. PubMed ID: 24728327). This variant has not been reported in the literature or in a large population database (gnomAD), indicating this variant is rare. This variant is reported as having uncertain clinical significance in the ClinVar database. At this time, the clinical significance of this variant is uncertain due to the absence of conclusive functional and genetic evidence.

Ambry Genetics
Classification: Uncertain significance for Hereditary cancer-predisposing syndrome. Last evaluated: 2024-09-09. Review status: criteria provided, single submitter. Criteria: Ambry Variant Classification Scheme 2023. Collection method: clinical testing. Allele origin: germline.
Comment: The p.G1109C variant (also known as c.3325G>T), located in coding exon 15 of the APC gene, results from a G to T substitution at nucleotide position 3325. The glycine at codon 1109 is replaced by cysteine, an amino acid with highly dissimilar properties. This variant was identified in a cohort of 681 ancestrally diverse, healthy subjects (Bodian DL et al. PLoS ONE, 2014 Apr;9:e94554). This amino acid position is not well conserved in available vertebrate species. In addition, in silico predictors for this gene do not accurately predict pathogenicity. Since supporting evidence is limited at this time, the clinical significance of this alteration remains unclear.

GeneDx
Classification: Uncertain significance. Last evaluated: 2016-01-05. Review status: criteria provided, single submitter. Criteria: GeneDx Variant Classification (06012015). Collection method: clinical testing. Allele origin: germline. Affected: yes.
Comment: This variant is denoted APC c.3325G>T at the cDNA level, p.Gly1109Cys (G1109C) at the protein level, and results in the change of a Glycine to a Cysteine (GGT>TGT). This variant was observed in 1/331 healthy European individuals undergoing whole genome sequencing (Bodian 2014). Of note, the participants in this study were younger than 50 years old, this the unaffected status of this individual may not be significant. APC Gly1109Cys was not observed in approximately 6,500 individuals of European and African American ancestry in the NHLBI Exome Sequencing Project, suggesting it is not a common benign variant in these populations. Since Glycine and Cysteine differ in polarity, charge, size or other properties, this is considered a non-conservative amino acid substitution. APC Gly1109Cys occurs at a position that is not conserved and is located in a B-catenin binding domain, a Serine-rich region, and a region responsible for down-regulation through a process mediated by direct ubiquitination (Azzopardi 2008, Uniprot). In silico analyses predict that this variant is unlikely to alter protein structure or function. Based on currently available evidence, it is unclear whether APC Gly1109Cys is pathogenic or benign. We consider it to be a variant of uncertain significance.

ITMI
No classification provided. Condition: AllHighlyPenetrant. Last evaluated: 2013-09-19. Review status: no classification provided. Collection method: reference population. Allele origin: germline. Not counted in ClinVar's aggregate classification.
Comment: Please see associated publication for description of ethnicities

Literature cited by the submitters: PubMed 24728327 (cited by ITMI).